The following is an entry in ClinVar:

NM_006767.4(LZTR1):c.1498G>C (p.Ala500Pro)

Gene: LZTR1 (leucine zipper like post translational regulator 1; plus strand). Cytogenetic location: 22q11.21.
Variant type: single nucleotide variant.
Coding change: c.1498G>C on transcript NM_006767.4 (MANE Select); coding-DNA position 1498, G replaced by C.
Protein change: p.Ala500Pro; replaces alanine 500 with proline.
Molecular consequence: missense variant.
Genome position (GRCh38, 1-based): chr22:20,994,152, G>C. VCF-style: chr22-20994152-G-C. GRCh37 (hg19) VCF-style: chr22-21348441-G-C.
Other names: short protein forms A500P.
Identifiers: ClinVar variation 1428496 (VCV001428496.13), dbSNP rs377075596, ClinGen allele CA10118922.

ClinVar aggregate classification (germline): Conflicting classifications of pathogenicity. Review status: criteria provided, conflicting classifications (1 of 4 stars). 4 submissions from 4 submitters: Uncertain significance (3); Likely benign (1). Last evaluated 2026-01-26.

Conditions:
Noonan syndrome 10 (NS10). Identifiers: Orphanet 648, MedGen C4225280, MONDO:0014693, OMIM 616564.
Noonan syndrome 2 (NS2). Identifiers: Orphanet 648, MedGen C1854469, MONDO:0011531, OMIM 605275.
LZTR1-related schwannomatosis. Also called: Schwannomatosis 2; Schwannomatosis-2, susceptibility to. Identifiers: Orphanet 93921, MedGen C3810283, MONDO:0014299, OMIM 615670.
Cardiovascular phenotype. Identifiers: MedGen CN230736.
Hereditary cancer-predisposing syndrome. Also called: Tumor predisposition; Hereditary neoplastic syndrome; Neoplastic Syndromes, Hereditary; Hereditary Cancer Syndrome. Identifiers: Orphanet 140162, MedGen C0027672, MeSH D009386, MONDO:0015356.

Allele frequency attached by ClinVar (database versions not stated): gnomAD exomes below 0.00001; ExAC 0.00002; gnomAD 0.00006 and 0.00007; TOPMed 0.00007; ESP Exome Variant Server 0.00024.
gnomAD v4.1: 14 of 1,595,730 alleles (0.00088%); highest among the groups gnomAD compares: African/African-American, 0.019%; no homozygotes.

Submissions (4):

Labcorp Genetics (formerly Invitae), Labcorp
Classification: Uncertain significance. Last evaluated: 2026-01-26. Review status: criteria provided, single submitter. Criteria: Invitae Variant Classification Sherloc (09022015). Collection method: clinical testing. Allele origin: germline.
Comment: This sequence change replaces alanine, which is neutral and non-polar, with proline, which is neutral and non-polar, at codon 500 of the LZTR1 protein (p.Ala500Pro). This variant is present in population databases (rs377075596, gnomAD 0.01%). This variant has not been reported in the literature in individuals affected with LZTR1-related conditions. ClinVar contains an entry for this variant (Variation ID: 1428496). Invitae Evidence Modeling of protein sequence and biophysical properties (such as structural, functional, and spatial information, amino acid conservation, physicochemical variation, residue mobility, and thermodynamic stability) indicates that this missense variant is not expected to disrupt LZTR1 protein function with a negative predictive value of 80%. In summary, the available evidence is currently insufficient to determine the role of this variant in disease. Therefore, it has been classified as a Variant of Uncertain Significance.

Ambry Genetics
Classification: Likely benign for Cardiovascular phenotype; Hereditary cancer-predisposing syndrome. Last evaluated: 2025-08-01. Review status: criteria provided, single submitter. Criteria: Ambry Variant Classification Scheme 2023. Collection method: clinical testing. Allele origin: germline.

Fulgent Genetics
Classification: Uncertain significance for Noonan syndrome 2; LZTR1-related schwannomatosis; Noonan syndrome 10. Last evaluated: 2024-06-03. Review status: criteria provided, single submitter. Criteria: ACMG Guidelines, 2015. Collection method: clinical testing. Allele origin: germline.

Baylor Genetics
Classification: Uncertain significance for LZTR1-related schwannomatosis. Last evaluated: 2023-11-02. Review status: criteria provided, single submitter. Criteria: ACMG Guidelines, 2015. Collection method: clinical testing. Allele origin: unknown.